The following is an entry in ClinVar:

ClinVar aggregate classification (germline): Uncertain significance (1 of 4 stars; one submission).

Conditions:
LRBA-related disorder. Also called: LRBA-related condition.

gnomAD v4.1: 1 of 1,613,952 alleles (0.000062%); highest among the groups gnomAD compares: Non-Finnish European, 0.000085%; no homozygotes.

Submission:

PreventionGenetics, part of Exact Sciences
Classification: Uncertain significance for LRBA-related condition. Last evaluated: 2023-02-13. Review status: criteria provided, single submitter. Criteria: ACMG Guidelines, 2015. Collection method: clinical testing. Allele origin: germline.
Comment: The LRBA c.386C>G variant is predicted to result in the amino acid substitution p.Thr129Ser. To our knowledge, this variant has not been reported in the literature or in a large population database, indicating this variant is rare. At this time, the clinical significance of this variant is uncertain due to the absence of conclusive functional and genetic evidence.

NM_001364905.1(LRBA):c.386C>G (p.Thr129Ser)

Gene: LRBA (LPS responsive beige-like anchor protein; minus strand). Cytogenetic location: 4q31.3.
Variant type: single nucleotide variant.
Coding change: c.386C>G on transcript NM_001364905.1 (MANE Select); coding-DNA position 386, C replaced by G.
Protein change: p.Thr129Ser; replaces threonine 129 with serine.
Molecular consequence: missense variant.
Genome position (GRCh38, 1-based): chr4:150,928,896, G>C on the plus strand (C>G on the coding strand, the complement: LRBA is on the minus strand). VCF-style: chr4-150928896-G-C. GRCh37 (hg19) VCF-style: chr4-151850048-G-C.
Other names: c.386C>G, p.Thr129Ser (NM_001199282.3, NM_001367550.1, NM_006726.5); short protein forms T129S.
Identifiers: ClinVar variation 2630492 (VCV002630492.1), dbSNP rs1249361513, ClinGen allele CA358439315.